The following is an entry in ClinVar:

ClinVar aggregate classification (germline): Uncertain significance (1 of 4 stars; one submission).

Conditions:
Primary dilated cardiomyopathy (DCM). Also called: Dilated Cardiomyopathy. Identifiers: Orphanet 217604, MedGen C0007193, MeSH D002311, MONDO:0005021, HP:0001644. Inheritance: Various modes of inheritance.

gnomAD v4.1: 1 of 1,613,644 alleles (0.000062%); highest among the groups gnomAD compares: Non-Finnish European, 0.000085%; no homozygotes.

Submission:

All of Us Research Program, National Institutes of Health
Classification: Uncertain significance for Primary dilated cardiomyopathy. Last evaluated: 2023-05-04. Review status: criteria provided, single submitter. Criteria: ACMG Guidelines, 2015. Collection method: clinical testing. Allele origin: germline. Inheritance: Autosomal dominant inheritance. Observed: 1 variant allele, 1 heterozygote.
Comment: This missense variant replaces isoleucine with phenylalanine at codon 299 of the LMNA protein. Computational prediction suggests that this variant may have deleterious impact on protein structure and function (internally defined REVEL score threshold >= 0.7, PMID: 27666373). To our knowledge, functional studies have not been reported for this variant. This variant has not been reported in individuals affected with LMNA-related disorders in the literature. This variant has not been identified in the general population by the Genome Aggregation Database (gnomAD). The available evidence is insufficient to determine the role of this variant in disease conclusively. Therefore, this variant is classified as a Variant of Uncertain Significance.

This study involves interpretation of variants in research participants for the purpose of population health screening. Participant phenotype was not available at the time of variant classification. Additional details can be found in publication PMID: 35346344, PMCID: PMC8962531

NM_170707.4(LMNA):c.895A>T (p.Ile299Phe)

Gene: LMNA (lamin A/C; plus strand). Cytogenetic location: 1q22.
Variant type: single nucleotide variant.
Coding change: c.895A>T on transcript NM_170707.4 (MANE Select); coding-DNA position 895, A replaced by T.
Protein change: p.Ile299Phe; replaces isoleucine 299 with phenylalanine.
Molecular consequence: missense variant. On other transcripts: synonymous variant (4).
Genome position (GRCh38, 1-based): chr1:156,135,271, A>T. VCF-style: chr1-156135271-A-T. GRCh37 (hg19) VCF-style: chr1-156105062-A-T.
Other names: c.598A>T, p.Ile200Phe (NM_001406988.1); c.895A>T, p.Ile299Phe (NM_001406991.1, NM_001406992.1, NM_001282625.2 and 6 more transcripts); c.559A>T, p.Ile187Phe (NM_001406989.1, NM_001406998.1, NM_001257374.3); c.337A>T, p.Ile113Phe (NM_001406990.1, NM_001406993.1, NM_001406995.1 and 4 more transcripts); c.231A>T, p.Ala77= (NM_001406994.1, NM_001406999.1, NM_001407000.1 and 1 more transcripts); c.652A>T, p.Ile218Phe (NM_001282624.2, NM_001406986.1, NM_001406987.1); short protein forms I113F, I187F, I200F, I218F, I299F.
Identifiers: ClinVar variation 3070634 (VCV003070634.1), dbSNP rs150924946, ClinGen allele CA342817805.